The following is an entry in ClinVar:

NM_213622.4(STAMBP):c.1110G>T (p.Lys370Asn)

Gene: STAMBP (STAM binding protein; plus strand). Cytogenetic location: 2p13.1.
Variant type: single nucleotide variant.
Coding change: c.1110G>T on transcript NM_213622.4 (MANE Select); coding-DNA position 1110, G replaced by T.
Protein change: p.Lys370Asn; replaces lysine 370 with asparagine.
Molecular consequence: missense variant. On other transcripts: non-coding transcript variant (4).
Genome position (GRCh38, 1-based): chr2:73,859,358, G>T. VCF-style: chr2-73859358-G-T. GRCh37 (hg19) VCF-style: chr2-74086485-G-T.
Other names: c.1110G>T, p.Lys370Asn (NM_001353967.2, NM_001353968.2, NM_001353969.2 and 3 more transcripts); c.705G>T, p.Lys235Asn (NM_001353971.2, NM_001353972.2, NM_001353973.2 and 3 more transcripts); short protein forms K235N, K370N.
Identifiers: ClinVar variation 1510564 (VCV001510564.8), dbSNP rs766778034, ClinGen allele CA347293514.

ClinVar aggregate classification (germline): Uncertain significance (1 of 4 stars; one submission).

gnomAD v4.1: 4 of 1,613,736 alleles (0.00025%); highest among the groups gnomAD compares: Admixed American, 0.0067%; no homozygotes.

Submission:

Labcorp Genetics (formerly Invitae), Labcorp
Classification: Uncertain significance. Last evaluated: 2022-08-16. Review status: criteria provided, single submitter. Criteria: Invitae Variant Classification Sherloc (09022015). Collection method: clinical testing. Allele origin: germline.
Comment: This sequence change replaces lysine, which is basic and polar, with asparagine, which is neutral and polar, at codon 370 of the STAMBP protein (p.Lys370Asn). In summary, the available evidence is currently insufficient to determine the role of this variant in disease. Therefore, it has been classified as a Variant of Uncertain Significance. Algorithms developed to predict the effect of missense changes on protein structure and function (SIFT, PolyPhen-2, Align-GVGD) all suggest that this variant is likely to be disruptive. ClinVar contains an entry for this variant (Variation ID: 1510564). This variant has not been reported in the literature in individuals affected with STAMBP-related conditions. This variant is present in population databases (no rsID available, gnomAD 0.01%).